The following is an entry in ClinVar:

ClinVar aggregate classification (germline): Benign/Likely benign. Review status: criteria provided, multiple submitters, no conflicts (2 of 4 stars). 7 submissions from 7 submitters: Benign (4); Likely benign (2). 1 of the submissions does not count toward it. Last evaluated 2024-04-15.

Conditions:
ZEB2-related disorder. Also called: ZEB2-related condition.
Inborn genetic diseases. Identifiers: MedGen C0950123, MeSH D030342.
Mowat-Wilson syndrome (MOWS). Also called: Classic Mowat-Wilson Syndrome. Identifiers: Orphanet 2152, MedGen C1856113, MONDO:0009341, OMIM 235730.

Allele frequency attached by ClinVar (database versions not stated): gnomAD exomes 0.00009 and 0.00021; ExAC 0.00019; 1000 Genomes Project 0.00040; 1000 Genomes Project 30x 0.00047; gnomAD 0.00056 and 0.00062; TOPMed 0.00077; ESP Exome Variant Server 0.00092.
gnomAD v4.1: 232 of 1,614,178 alleles (0.014%); highest among the groups gnomAD compares: African/African-American, 0.17%; no homozygotes.

Submissions (7):

Blueprint Genetics
Classification: Likely benign. Last evaluated: 2024-04-15. Review status: criteria provided, single submitter. Criteria: ACMG Guidelines, 2015. Collection method: clinical testing. Allele origin: germline.

Genome-Nilou Lab
Classification: Benign for Mowat-Wilson syndrome. Last evaluated: 2021-11-07. Review status: criteria provided, single submitter. Criteria: ACMG Guidelines, 2015. Collection method: clinical testing. Allele origin: germline. Affected: no.

Labcorp Genetics (formerly Invitae), Labcorp
Classification: Benign for Mowat-Wilson syndrome. Last evaluated: 2020-01-23. Review status: criteria provided, single submitter. Criteria: Invitae Variant Classification Sherloc (09022015). Collection method: clinical testing. Allele origin: germline.

Ambry Genetics
Classification: Likely benign for Inborn genetic diseases. Last evaluated: 2017-12-27. Review status: criteria provided, single submitter. Criteria: Ambry Variant Classification Scheme 2023. Collection method: clinical testing. Allele origin: germline.

GeneDx
Classification: Benign. Last evaluated: 2014-04-24. Review status: criteria provided, single submitter. Criteria: GeneDx Variant Classification (06012015). Collection method: clinical testing. Allele origin: germline. Affected: yes.
Comment: This variant is considered likely benign or benign based on one or more of the following criteria: it is a conservative change, it occurs at a poorly conserved position in the protein, it is predicted to be benign by multiple in silico algorithms, and/or has population frequency not consistent with disease.

Eurofins Ntd Llc (ga)
Classification: Benign. Last evaluated: 2014-02-24. Review status: criteria provided, single submitter. Criteria: EGL Classification Definitions 2015. Collection method: clinical testing. Allele origin: germline. Observed: 1 variant allele, 1 heterozygote.

PreventionGenetics, part of Exact Sciences
Classification: Likely benign for ZEB2-related condition. Last evaluated: 2019-08-12. Review status: no assertion criteria provided. Collection method: clinical testing. Allele origin: germline. Not counted in ClinVar's aggregate classification.
Comment: This variant is classified as likely benign based on ACMG/AMP sequence variant interpretation guidelines (Richards et al. 2015 PMID: 25741868, with internal and published modifications).

NM_014795.4(ZEB2):c.2205T>C (p.Pro735=)

Gene: ZEB2 (zinc finger E-box binding homeobox 2; minus strand). Cytogenetic location: 2q22.3.
Variant type: single nucleotide variant.
Coding change: c.2205T>C on transcript NM_014795.4 (MANE Select); coding-DNA position 2205, T replaced by C.
Protein change: p.Pro735=; no amino-acid change (proline 735 retained).
Molecular consequence: synonymous variant.
Genome position (GRCh38, 1-based): chr2:144,398,982, A>G on the plus strand (T>C on the coding strand, the complement: ZEB2 is on the minus strand). VCF-style: chr2-144398982-A-G. GRCh37 (hg19) VCF-style: chr2-145156549-A-G.
Other names: p.P735P:CCT>CCC; c.2133T>C, p.Pro711= (NM_001171653.2).
Identifiers: ClinVar variation 137949 (VCV000137949.18), dbSNP rs149964599, ClinGen allele CA180505.